The following is an entry in ClinVar:

NM_001367624.2(ZNF469):c.11020G>A (p.Ala3674Thr)

Gene: ZNF469 (zinc finger protein 469; plus strand). Cytogenetic location: 16q24.2.
Variant type: single nucleotide variant.
Coding change: c.11020G>A on transcript NM_001367624.2 (MANE Select); coding-DNA position 11020, G replaced by A.
Protein change: p.Ala3674Thr; replaces alanine 3674 with threonine.
Molecular consequence: missense variant.
Genome position (GRCh38, 1-based): chr16:88,438,490, G>A. VCF-style: chr16-88438490-G-A. GRCh37 (hg19) VCF-style: chr16-88504898-G-A.
Other names: NM_001127464.1:c.10936G>A; short protein forms A3674T.
Identifiers: ClinVar variation 1789843 (VCV001789843.2), dbSNP rs1305871830, ClinGen allele CA397128803.

ClinVar aggregate classification (germline): Uncertain significance (1 of 4 stars; one submission).

Conditions:
Cardiovascular phenotype. Identifiers: MedGen CN230736.

Allele frequency attached by ClinVar (database versions not stated): gnomAD 0.00001.
gnomAD v4.1: 3 of 1,550,024 alleles (0.00019%); highest among the groups gnomAD compares: Non-Finnish European, 0.00026%; no homozygotes.

Submission:

Ambry Genetics
Classification: Uncertain significance for Cardiovascular phenotype. Last evaluated: 2020-07-21. Review status: criteria provided, single submitter. Criteria: Ambry Variant Classification Scheme 2023. Collection method: clinical testing. Allele origin: germline.
Comment: The p.A3646T variant (also known as c.10936G>A), located in coding exon 2 of the ZNF469 gene, results from a G to A substitution at nucleotide position 10936. The alanine at codon 3646 is replaced by threonine, an amino acid with similar properties. This amino acid position is poorly conserved in available vertebrate species. In addition, this alteration is predicted to be tolerated by in silico analysis. Since supporting evidence is limited at this time, the clinical significance of this alteration remains unclear.